The following is an entry in ClinVar:

NM_016932.5(SIX2):c.760G>A (p.Ala254Thr)

Gene: SIX2 (SIX homeobox 2; minus strand). Cytogenetic location: 2p21.
Variant type: single nucleotide variant.
Coding change: c.760G>A on transcript NM_016932.5 (MANE Select); coding-DNA position 760, G replaced by A.
Protein change: p.Ala254Thr; replaces alanine 254 with threonine.
Molecular consequence: missense variant.
Genome position (GRCh38, 1-based): chr2:45,006,286, C>T on the plus strand (G>A on the coding strand, the complement: SIX2 is on the minus strand). VCF-style: chr2-45006286-C-T. GRCh37 (hg19) VCF-style: chr2-45233425-C-T.
Other names: short protein forms A254T.
Identifiers: ClinVar variation 393288 (VCV000393288.2), dbSNP rs756635283, ClinGen allele CA1642478.

ClinVar aggregate classification (germline): Likely pathogenic (1 of 4 stars; one submission).

Allele frequency attached by ClinVar (database versions not stated): gnomAD exomes 0.00001; ExAC 0.00001; gnomAD 0.00001; TOPMed 0.00002.

Submission:

GeneDx
Classification: Likely pathogenic. Last evaluated: 2017-02-08. Review status: criteria provided, single submitter. Criteria: GeneDx Variant Classification (06012015). Collection method: clinical testing. Allele origin: germline. Affected: yes.
Comment: The A254T variant in the SIX2 gene has not been reported previously as a pathogenic variant, nor as a benign variant, to our knowledge. The A254T variant is not observed at a significant frequency in large population cohorts (Lek et al., 2016; 1000 Genomes Consortium et al., 2015; Exome Variant Server). The A254T variant is a non-conservative amino acid substitution, which is likely to impact secondary protein structure as these residues differ in polarity, charge, size and/or other properties. This substitution occurs at a position that is conserved across species. In silico analysis is inconsistent in its predictions as to whether or not the variant is damaging to the protein structure/function. The A254T variant is a strong candidate for a pathogenic variant